The following is an entry in ClinVar:

NM_001134673.4(NFIA):c.746del (p.Leu249fs)

Gene: NFIA (nuclear factor I A; plus strand). Cytogenetic location: 1p31.3.
Variant type: Deletion.
Coding change: c.746del on transcript NM_001134673.4 (MANE Select); coding-DNA position 746, one base deleted (T; older notation c.746delT).
Protein change: p.Leu249fs; shifts the reading frame from leucine 249.
Molecular consequence: frameshift variant.
Genome position (GRCh38, 1-based): chr1:61,352,495, T deleted; the last of 3 consecutive T bases (chr1:61,352,493-61,352,495); deleting any one gives the same sequence. VCF-style (leftmost placement, unchanged base first): chr1-61352492-AT-A. GRCh37 (hg19) VCF-style: chr1-61818164-AT-A.
Other names: c.722del, p.Leu241fs (NM_001145511.2); c.881del, p.Leu294fs (NM_001145512.2); c.746del, p.Leu249fs (NM_005595.5); short protein forms L294fs, L241fs, L249fs.
Identifiers: ClinVar variation 3726427 (VCV003726427.2).

ClinVar aggregate classification (germline): Pathogenic (1 of 4 stars; one submission).

Submission:

Labcorp Genetics (formerly Invitae), Labcorp
Classification: Pathogenic. Last evaluated: 2024-12-17. Review status: criteria provided, single submitter. Criteria: Invitae Variant Classification Sherloc (09022015). Collection method: clinical testing. Allele origin: germline.
Comment: This sequence change creates a premature translational stop signal (p.Leu249Trpfs*9) in the NFIA gene. It is expected to result in an absent or disrupted protein product. Loss-of-function variants in NFIA are known to be pathogenic (PMID: 27081522, 31730271). This variant is not present in population databases (gnomAD no frequency). This variant has not been reported in the literature in individuals affected with NFIA-related conditions. For these reasons, this variant has been classified as Pathogenic.

Literature cited by the submitters: PubMed 27081522; PubMed 31730271.